The following is an entry in ClinVar:

ClinVar aggregate classification (germline): Pathogenic. Review status: reviewed by expert panel (3 of 4 stars). 13 submissions from 13 submitters: Pathogenic (1). 12 of the submissions do not count toward it. Last evaluated 2017-03-17.

Conditions:
CFTR-related disorder (CFTR-RD). Also called: CFTR-related condition; CFTR-related disorders. Identifiers: MedGen C5924204, MONDO:7770004.
Cystic fibrosis (CF). Also called: MUCOVISCIDOSIS. Identifiers: Orphanet 586, MedGen C0010674, MONDO:0009061, OMIM 219700. Disease mechanism: loss of function.
Congenital bilateral aplasia of vas deferens from CFTR mutation (CBAVD). Identifiers: Orphanet 48, MedGen C0403814, MONDO:0010178, OMIM 277180. Disease mechanism: loss of function.
Bronchiectasis with or without elevated sweat chloride 1 (BESC1). Also called: Cystic Fibrosis-Like Syndrome. Identifiers: Orphanet 60033, MedGen C2749757, MONDO:0008887, OMIM 211400.

Submissions (13):

CFTR2
Classification: Pathogenic for Cystic fibrosis. Last evaluated: 2017-03-17. Review status: reviewed by expert panel. Criteria: Sosnay PR et al. (Nat Genet 2013). Collection method: research. Allele origin: germline. Affected: yes. Study: CFTR2.

Ambry Genetics
Classification: Pathogenic for Cystic fibrosis. Last evaluated: 2025-12-04. Review status: criteria provided, single submitter. Criteria: Ambry Variant Classification Scheme 2023. Collection method: clinical testing. Allele origin: germline. Not counted in ClinVar's aggregate classification.
Comment: The c.233dupT (p.W79Lfs*32) alteration, located in coding exon 3 of the CFTR gene, consists of a duplication of T at position 233, causing a translational frameshift with a predicted alternate stop codon after 32 amino acids. This alteration is expected to result in loss of function by premature protein truncation or nonsense-mediated mRNA decay. Based on data from gnomAD, this allele has an overall frequency of 0.001% (2/250970) total alleles studied. The highest observed frequency was 0.003% (1/34568) of Latino alleles. This variant has been identified in the homozygous state and/or in conjunction with other CFTR variant(s) in individual(s) with features consistent with cystic fibrosis (Alper, 2004; Steiner, 2011; Soe, 2017). Of note, this alteration is also known as 365_366insT in published literature. Based on the available evidence, this alteration is classified as pathogenic.

Natera, Inc.
Classification: Pathogenic for CFTR-related disorders. Last evaluated: 2025-07-14. Review status: criteria provided, single submitter. Criteria: Natera Variant Classification Schema (03/2026). Collection method: clinical testing. Allele origin: germline. Not counted in ClinVar's aggregate classification.
Comment: The c.233dupT variant in CFTR is a frameshift variant predicted to shift the reading frame beginning at codon 79 and leads to a stop codon 32 codons downstream. This variant is expected to result in nonsense mediated decay, truncation, or a dysfunctional protein product. This variant is rare in the general population with a frequency below the threshold expected for the associated phenotype(s). This variant has been observed in one or more individuals affected with the associated recessive disease, as either homozygous or compound heterozygous with a second variant (PMID: 28174639, 15365999). Given the available evidence, this variant is classified as Pathogenic.

Quest Diagnostics Nichols Institute San Juan Capistrano
Classification: Pathogenic. Last evaluated: 2025-03-06. Review status: criteria provided, single submitter. Criteria: Quest Diagnostics criteria. Collection method: clinical testing. Allele origin: unknown. Not counted in ClinVar's aggregate classification.
Comment: The CFTR c.233dup (p.Trp79Leufs*32) frameshift variant alters the translational reading frame of the CFTR mRNA and causes the premature termination of CFTR protein synthesis. In the published literature, this variant has been reported in individuals with cystic fibrosis (CF) (PMIDs: 38966678 (2024), 38073688 (2023), 35858753 (2022), 32227567 (2020), 30548586 (2018), 28174639 (2017), 15365999 (2004)), as well as in individuals with CFTR-related disorders (PMIDs: 25910067 (2015), 22658665 (2012), 21520337 (2011)). The frequency of this variant in the general population (Genome Aggregation Database) is consistent with pathogenicity. Based on the available information, this variant is classified as pathogenic.

ARUP Laboratories, Molecular Genetics and Genomics, ARUP Laboratories
Classification: Pathogenic for Cystic fibrosis. Last evaluated: 2024-11-04. Review status: criteria provided, single submitter. Criteria: ARUP Molecular Germline Variant Investigation Process 2024. Collection method: clinical testing. Allele origin: germline. Not counted in ClinVar's aggregate classification.
Comment: The CFTR c.233dup; p.Trp79LeufsTer32 variant (rs397508360), also known as 360-365insT, is reported in individuals with cystic fibrosis (see CFTR2 database, Soe 2017), and is reported in ClinVar (Variation ID: 53475). This variant is only found on two alleles in the Genome Aggregation Database, indicating it is not a common polymorphism. This variant causes a frameshift by inserting a single nucleotide, so it is predicted to result in a truncated protein or mRNA subject to nonsense-mediated decay. Based on available information, this variant is considered to be pathogenic. References: Link to CFTR2 database: Soe K et al. A rare CFTR mutation associated with severe disease progression in a 10-year-old Hispanic patient. Clin Case Rep. 2017 Jan 19;5(2):139-144. PMID: 28174639.

Dasa
Classification: Pathogenic. Last evaluated: 2024-10-02. Review status: criteria provided, single submitter. Criteria: DASA Assertion Criteria. Collection method: clinical testing. Allele origin: germline. Not counted in ClinVar's aggregate classification.
Comment: NM_000492.4(CFTR):c.233dup (p.Trp79Leufs*32) introduces a premature termination codon predicted to result in loss of normal protein function. Loss-of-function is an established mechanism of disease for this gene. This variant has been observed in affected individuals with related phenotype in a genotype context consistent with recessive disease. The variant is present at low frequency in population datasets. Based on the available data, this variant is classified as pathogenic.

Labcorp Genetics (formerly Invitae), Labcorp
Classification: Pathogenic for Cystic fibrosis. Last evaluated: 2023-12-30. Review status: criteria provided, single submitter. Criteria: Invitae Variant Classification Sherloc (09022015). Collection method: clinical testing. Allele origin: germline. Not counted in ClinVar's aggregate classification.
Comment: This sequence change creates a premature translational stop signal (p.Trp79Leufs*32) in the CFTR gene. It is expected to result in an absent or disrupted protein product. Loss-of-function variants in CFTR are known to be pathogenic (PMID: 1695717, 7691345, 9725922). The frequency data for this variant in the population databases is considered unreliable, as metrics indicate poor data quality at this position in the gnomAD database. This premature translational stop signal has been observed in individual(s) with cystic fibrosis and chronic pancreatitis (PMID: 15300780, 21520337, 28174639). ClinVar contains an entry for this variant (Variation ID: 53475). For these reasons, this variant has been classified as Pathogenic.

Baylor Genetics
Classification: Pathogenic for Bronchiectasis with or without elevated sweat chloride 1. Last evaluated: 2023-11-20. Review status: criteria provided, single submitter. Criteria: ACMG Guidelines, 2015. Collection method: clinical testing. Allele origin: unknown. Not counted in ClinVar's aggregate classification.

Women's Health and Genetics/Laboratory Corporation of America, LabCorp
Classification: Pathogenic for Cystic fibrosis. Last evaluated: 2022-02-28. Review status: criteria provided, single submitter. Criteria: LabCorp Variant Classification Summary - May 2015. Collection method: clinical testing. Allele origin: germline. Not counted in ClinVar's aggregate classification.
Comment: Variant summary: CFTR c.233dupT (p.Trp79LeufsX32) results in a premature termination codon, predicted to cause a truncation of the encoded protein or absence of the protein due to nonsense mediated decay, which are commonly known mechanisms for disease. Truncations downstream of this position have been classified as pathogenic by our laboratory. The variant allele was found at a frequency of 8e-06 in 250970 control chromosomes. c.233dupT has been reported in the literature in individuals affected with Cystic Fibrosis or CBAVD. These data indicate that the variant may be associated with disease. Seven clinical diagnostic laboratories have submitted clinical-significance assessments for this variant to ClinVar after 2014 without evidence for independent evaluation. All laboratories classified the variant as pathogenic. Based on the evidence outlined above, the variant was classified as pathogenic.

CFTR-France
Classification: Pathogenic for cystic fibrosis. Last evaluated: 2018-01-29. Review status: criteria provided, single submitter. Criteria: Claustres M et al. (Hum Mutat 2017). Collection method: curation. Allele origin: germline. Affected: yes. Not counted in ClinVar's aggregate classification.

Eurofins Ntd Llc (ga)
Classification: Pathogenic. Last evaluated: 2017-08-21. Review status: criteria provided, single submitter. Criteria: EGL Classification Definitions 2015. Collection method: clinical testing. Allele origin: germline. Observed: 2 variant alleles, 2 heterozygotes. Not counted in ClinVar's aggregate classification.

Juno Genomics, Hangzhou Juno Genomics, Inc
Classification: Pathogenic for Congenital bilateral aplasia of vas deferens from CFTR mutation; Cystic fibrosis. Review status: criteria provided, single submitter. Criteria: ACMG Guidelines, 2015. Collection method: clinical testing. Allele origin: germline. Not counted in ClinVar's aggregate classification.
Comment: Absent from controls (or at extremely low frequency if recessive) in Genome Aggregation Database.;Null variant in a gene where loss of function (LOF) is a known mechanism of disease.;For recessive disorders, detected in trans with a pathogenic variant.

Counsyl
Classification: Pathogenic for Cystic fibrosis. Last evaluated: 2016-02-18. Review status: no assertion criteria provided. Collection method: clinical testing. Allele origin: unknown. Not counted in ClinVar's aggregate classification.

Literature cited by the submitters: PubMed 15365999 (cited by 3 submitters); PubMed 21520337 (cited by 4 submitters); PubMed 28174639 (cited by 5 submitters); PubMed 30488522 (cited by Quest Diagnostics Nichols Institute San Juan Capistrano); PubMed 22658665 (cited by Quest Diagnostics Nichols Institute San Juan Capistrano); PubMed 25910067 (cited by Quest Diagnostics Nichols Institute San Juan Capistrano); PubMed 32227567 (cited by Quest Diagnostics Nichols Institute San Juan Capistrano); PubMed 38073688 (cited by Quest Diagnostics Nichols Institute San Juan Capistrano); PubMed 30548586 (cited by Quest Diagnostics Nichols Institute San Juan Capistrano); PubMed 38966678 (cited by Quest Diagnostics Nichols Institute San Juan Capistrano); PubMed 35858753 (cited by Quest Diagnostics Nichols Institute San Juan Capistrano); PubMed 1695717 (cited by Labcorp Genetics (formerly Invitae), Labcorp); PubMed 7691345 (cited by Labcorp Genetics (formerly Invitae), Labcorp); PubMed 9725922 (cited by Labcorp Genetics (formerly Invitae), Labcorp); PubMed 15300780 (cited by Labcorp Genetics (formerly Invitae), Labcorp and Counsyl).

NM_000492.4(CFTR):c.233dup (p.Trp79fs)

Gene: CFTR (CF transmembrane conductance regulator; plus strand). Cytogenetic location: 7q31.2.
Variant type: Duplication.
Coding change: c.233dup on transcript NM_000492.4 (MANE Select); coding-DNA position 233, one base duplicated (T; older notation c.233dupT).
Protein change: p.Trp79fs; shifts the reading frame from tryptophan 79.
Molecular consequence: frameshift variant.
Genome position (GRCh38, 1-based): chr7:117,509,102, T duplicated; the last of 6 consecutive T bases (chr7:117,509,097-117,509,102); duplicating any one gives the same sequence. VCF-style (leftmost placement, unchanged base first): chr7-117509096-G-GT. GRCh37 (hg19) VCF-style: chr7-117149150-G-GT.
Other names: 365-366insT; c.233dupT (NM_000492.3); short protein forms W79fs.
Identifiers: ClinVar variation 53475 (VCV000053475.30), dbSNP rs397508360, ClinGen allele CA326794.